The following is an entry in ClinVar:

NM_172107.4(KCNQ2):c.1103C>A (p.Thr368Asn)

Gene: KCNQ2 (potassium voltage-gated channel subfamily Q member 2; minus strand). Cytogenetic location: 20q13.33.
Variant type: single nucleotide variant.
Coding change: c.1103C>A on transcript NM_172107.4 (MANE Select); coding-DNA position 1103, C replaced by A.
Protein change: p.Thr368Asn; replaces threonine 368 with asparagine.
Molecular consequence: missense variant.
Genome position (GRCh38, 1-based): chr20:63,433,824, G>T on the plus strand (C>A on the coding strand, the complement: KCNQ2 is on the minus strand). VCF-style: chr20-63433824-G-T. GRCh37 (hg19) VCF-style: chr20-62065177-G-T.
Other names: c.1103C>A, p.Thr368Asn (NM_001382235.1, NM_004518.6, NM_172106.3 and 2 more transcripts); short protein forms T368N.
Identifiers: ClinVar variation 946732 (VCV000946732.9), dbSNP rs900170305, ClinGen allele CA409651068.

ClinVar aggregate classification (germline): Uncertain significance (1 of 4 stars; one submission).

Conditions:
Early-infantile DEE. Also called: Early infantile epileptic encephalopathy; Ohtahara syndrome; Early infantile epileptic encephalopathy with suppression bursts. Identifiers: Orphanet 1934, MedGen C0393706, MONDO:0800491.

Allele frequency attached by ClinVar (database versions not stated): gnomAD 0.00001; TOPMed 0.00002.
gnomAD v4.1: 5 of 1,613,848 alleles (0.00031%); highest among the groups gnomAD compares: East Asian, 0.0067%; no homozygotes.

Submission:

Labcorp Genetics (formerly Invitae), Labcorp
Classification: Uncertain significance for Early-infantile DEE. Last evaluated: 2020-02-21. Review status: criteria provided, single submitter. Criteria: Invitae Variant Classification Sherloc (09022015). Collection method: clinical testing. Allele origin: germline.
Comment: This sequence change replaces threonine with asparagine at codon 368 of the KCNQ2 protein (p.Thr368Asn). The threonine residue is moderately conserved and there is a small physicochemical difference between threonine and asparagine. This variant is not present in population databases (ExAC no frequency). This variant has not been reported in the literature in individuals with KCNQ2-related conditions. Algorithms developed to predict the effect of missense changes on protein structure and function are either unavailable or do not agree on the potential impact of this missense change (SIFT: "Deleterious"; PolyPhen-2: "Benign"; Align-GVGD: "Class C0"). In summary, the available evidence is currently insufficient to determine the role of this variant in disease. Therefore, it has been classified as a Variant of Uncertain Significance.